The following is an entry in ClinVar:

NM_001365999.1(SZT2):c.6877+4C>T

Gene: SZT2 (SZT2 subunit of KICSTOR complex; plus strand). Cytogenetic location: 1p34.2.
Variant type: single nucleotide variant.
Coding change: c.6877+4C>T on transcript NM_001365999.1 (MANE Select); 4 bases into the intron after coding-DNA position 6877, C replaced by T.
Molecular consequence: intron variant.
Genome position (GRCh38, 1-based): chr1:43,439,446, C>T. VCF-style: chr1-43439446-C-T. GRCh37 (hg19) VCF-style: chr1-43905117-C-T.
Other names: c.6706+4C>T (NM_015284.4).
Identifiers: ClinVar variation 1001825 (VCV001001825.6), dbSNP rs754684190, ClinGen allele CA810039.

ClinVar aggregate classification (germline): Uncertain significance (1 of 4 stars; one submission).

Allele frequency attached by ClinVar (database versions not stated): gnomAD exomes below 0.00001 and 0.00001; ExAC 0.00001; TOPMed 0.00001.
gnomAD v4.1: 17 of 1,607,708 alleles (0.0011%); highest among the groups gnomAD compares: Middle Eastern, 0.017%; no homozygotes.

Submission:

Labcorp Genetics (formerly Invitae), Labcorp
Classification: Uncertain significance. Last evaluated: 2021-08-28. Review status: criteria provided, single submitter. Criteria: Invitae Variant Classification Sherloc (09022015). Collection method: clinical testing. Allele origin: germline.
Comment: This sequence change falls in intron 48 of the SZT2 gene. It does not directly change the encoded amino acid sequence of the SZT2 protein. It affects a nucleotide within the consensus splice site of the intron. This variant is present in population databases (rs754684190, ExAC 0.002%). This variant has not been reported in the literature in individuals affected with SZT2-related conditions. Variants that disrupt the consensus splice site are a relatively common cause of aberrant splicing (PMID: 17576681, 9536098). Algorithms developed to predict the effect of sequence changes on RNA splicing suggest that this variant is not likely to affect RNA splicing. In summary, the available evidence is currently insufficient to determine the role of this variant in disease. Therefore, it has been classified as a Variant of Uncertain Significance.

Literature cited by the submitters: PubMed 17576681; PubMed 9536098.